The following is an entry in ClinVar:

ClinVar aggregate classification (germline): Uncertain significance (1 of 4 stars; one submission).

Conditions:
Hereditary cancer-predisposing syndrome. Also called: Neoplastic Syndromes, Hereditary; Tumor predisposition; Hereditary neoplastic syndrome; Hereditary Cancer Syndrome. Identifiers: Orphanet 140162, MedGen C0027672, MeSH D009386, MONDO:0015356.

Submission:

Ambry Genetics
Classification: Uncertain significance for Hereditary cancer-predisposing syndrome. Last evaluated: 2026-07-07. Review status: criteria provided, single submitter. Criteria: Ambry Variant Classification Scheme 2023. Collection method: clinical testing. Allele origin: germline.
Comment: The p.N302D variant (also known as c.904A>G), located in coding exon 6 of the NTHL1 gene, results from an A to G substitution at nucleotide position 904. The asparagine at codon 302 is replaced by aspartic acid, an amino acid with highly similar properties. This amino acid position is conserved. In addition, the in silico prediction for this alteration is inconclusive. Based on the available evidence, the clinical significance of this variant remains unclear.

NM_002528.7(NTHL1):c.880A>G (p.Asn294Asp)

Gene: NTHL1 (nth like DNA glycosylase 1; minus strand). Cytogenetic location: 16p13.3.
Variant type: single nucleotide variant.
Coding change: c.880A>G on transcript NM_002528.7 (MANE Select); coding-DNA position 880, A replaced by G.
Protein change: p.Asn294Asp; replaces asparagine 294 with aspartic acid.
Molecular consequence: missense variant.
Genome position (GRCh38, 1-based): chr16:2,039,959, T>C on the plus strand (A>G on the coding strand, the complement: NTHL1 is on the minus strand). VCF-style: chr16-2039959-T-C. GRCh37 (hg19) VCF-style: chr16-2089960-T-C.
Other names: c.709A>G, p.Asn237Asp (NM_001318193.2); c.550A>G, p.Asn184Asp (NM_001318194.2); short protein forms N294D, N184D, N237D.
Identifiers: ClinVar variation 5025904 (VCV005025904.1).